The following is an entry in ClinVar:

NM_000271.5(NPC1):c.810CAT[1] (p.Ile271del)

Gene: NPC1 (NPC intracellular cholesterol transporter 1; minus strand). Cytogenetic location: 18q11.2.
Variant type: Microsatellite.
Coding change: c.810CAT[1] on transcript NM_000271.5 (MANE Select); one copy of the 3-base unit CAT starting at c.810; the reference has two copies in a row; one copy, 3 bases deleted; also written c.813_815del.
Protein change: p.Ile271del; deletes isoleucine 271.
Molecular consequence: inframe deletion.
Genome position (GRCh38, 1-based): chr18:23,560,297-23,560,299, ATG deleted on the plus strand (CAT on the coding strand, the reverse complement: NPC1 is on the minus strand); deleting any 3 consecutive bases within chr18:23,560,297-23,560,303 gives the same sequence; the position shown is the placement nearest the transcript's 3' end. VCF-style (leftmost placement, unchanged base first): chr18-23560296-CATG-C. GRCh37 (hg19) VCF-style: chr18-21140260-CATG-C.
Other names: c.813_815del (NM_000271.4); short protein forms I271del.
Identifiers: ClinVar variation 449503 (VCV000449503.13), dbSNP rs1243863645, ClinGen allele CA503522074.

ClinVar aggregate classification (germline): Conflicting classifications of pathogenicity. Review status: criteria provided, conflicting classifications (1 of 4 stars). 5 submissions from 5 submitters: Likely pathogenic (3); Uncertain significance (1). 1 of the submissions does not count toward it. Last evaluated 2022-08-04.

Conditions:
Niemann-Pick disease, type C (NPC). Identifiers: Orphanet 646, MedGen C0220756, MONDO:0018982.
Niemann-Pick disease, type C1. Also called: NEUROVISCERAL STORAGE DISEASE WITH VERTICAL SUPRANUCLEAR OPHTHALMOPLEGIA; NIEMANN-PICK DISEASE WITH CHOLESTEROL ESTERIFICATION BLOCK; NIEMANN-PICK DISEASE WITHOUT SPHINGOMYELINASE DEFICIENCY; NIEMANN-PICK DISEASE, CHRONIC NEURONOPATHIC FORM; NIEMANN-PICK DISEASE, VARIANT TYPE C1. Identifiers: Orphanet 646, MedGen C3179455, MONDO:0009757, OMIM 257220.

Submissions (5):

Women's Health and Genetics/Laboratory Corporation of America, LabCorp
Classification: Likely pathogenic for Niemann-Pick disease, type C. Last evaluated: 2022-08-04. Review status: criteria provided, single submitter. Criteria: LabCorp Variant Classification Summary - May 2015. Collection method: clinical testing. Allele origin: germline.
Comment: Variant summary: NPC1 c.813_815delCAT (p.Ile271del) results in an in-frame deletion that is predicted to remove one amino acid from the encoded protein. The variant was absent in 250742 control chromosomes. c.813_815delCAT has been reported in the literature in individuals affected with features of Niemann-Pick Disease Type C and in settings of clinical exome sequencing in an affected consanguineous population (example, Sun_2001, Monies_2019). These data indicate that the variant is likely to be associated with disease. To our knowledge, no experimental evidence demonstrating an impact on protein function has been reported. Four clinical diagnostic laboratories have submitted clinical-significance assessments for this variant to ClinVar after 2014 without evidence for independent evaluation. Multiple laboratories reported the variant with conflicting assessments (LP, n=2; VUS, n=2). Based on the evidence outlined above, the variant was classified as likely pathogenic.

Labcorp Genetics (formerly Invitae), Labcorp
Classification: Uncertain significance for Niemann-Pick disease, type C1. Last evaluated: 2022-05-25. Review status: criteria provided, single submitter. Criteria: Invitae Variant Classification Sherloc (09022015). Collection method: clinical testing. Allele origin: germline.
Comment: This variant, c.813_815del, results in the deletion of 1 amino acid(s) of the NPC1 protein (p.Ile271del), but otherwise preserves the integrity of the reading frame. This variant is not present in population databases (gnomAD no frequency). This variant has been observed in individual(s) with clinical features of Niemann-Pick disease type C (PMID: 11349231, 31130284). ClinVar contains an entry for this variant (Variation ID: 449503). Algorithms developed to predict the effect of sequence changes on RNA splicing suggest that this variant may create or strengthen a splice site. In summary, the available evidence is currently insufficient to determine the role of this variant in disease. Therefore, it has been classified as a Variant of Uncertain Significance.

AiLife Diagnostics
Classification: Likely pathogenic. Last evaluated: 2021-12-28. Review status: criteria provided, single submitter. Criteria: ACMG Guidelines, 2015. Collection method: clinical testing. Allele origin: germline. Affected: yes. Observed: 1 variant allele.

GeneDx
Classification: Likely pathogenic. Last evaluated: 2017-04-27. Review status: criteria provided, single submitter. Criteria: GeneDx Variant Classification (06012015). Collection method: clinical testing. Allele origin: germline. Affected: yes.
Comment: The c.813_815delCAT variant in the NPC1 gene has been reported in an individual with Neiman-Pick C disease with impaired cholesterol esterification rate who also possessed a second variant in the NPC1 gene (Sun et al.,2001). The c.813_815delCAT variant causes an in-frame deletion of one amino acid, Isoleucine 271, denotedp.Ile271del. This amino acid deletion occurs at a position that is conserved across species. The c.813_815delCATvariant is not observed in large population cohorts (Lek et al., 2016; 1000 Genomes Consortium et al., 2015; ExomeVariant Server).We interpret c.813_815delCAT as a likely pathogenic variant.

Counsyl
Classification: Uncertain significance for Niemann-Pick disease, type C1. Last evaluated: 2017-11-17. Review status: no assertion criteria provided. Collection method: clinical testing. Allele origin: unknown. Not counted in ClinVar's aggregate classification.

Literature cited by the submitters: PubMed 12955717 (cited by Women's Health and Genetics/Laboratory Corporation of America, LabCorp); PubMed 11349231 (cited by 4 submitters); PubMed 31130284 (cited by 3 submitters).